The following is an entry in ClinVar:

ClinVar aggregate classification (germline): Likely benign (1 of 4 stars; one submission).

Conditions:
H syndrome. Also called: Pigmented hypertrichosis and insulin-dependent diabetes mellitus; Asrar Facharzt Haque syndrome; Histiocytosis with joint contractures and sensorineural deafness; FAISALABAD HISTIOCYTOSIS; HISTIOCYTOSIS AND LYMPHADENOPATHY WITH OR WITHOUT CUTANEOUS, CARDIAC, AND/OR ENDOCRINE FEATURES, JOINT CONTRACTURES, AND/OR DEAFNESS; HYPERPIGMENTATION, CUTANEOUS, WITH HYPERTRICHOSIS, HEPATOSPLENOMEGALY, HEART ANOMALIES, AND HYPOGONADISM WITH OR WITHOUT HEARING LOSS. Identifiers: Orphanet 168569, MedGen C1864445, MONDO:0011273, OMIM 602782.

Allele frequency attached by ClinVar (database versions not stated): ExAC 0.00028; gnomAD 0.00243 and 0.00247; 1000 Genomes Project 30x 0.00328; 1000 Genomes Project 0.00339; gnomAD exomes 0.00404 and 0.00825; TOPMed 0.00474.
gnomAD v4.1: 1,629 of 471,006 alleles (0.35%); highest among the groups gnomAD compares: Admixed American, 3.3%; 45 homozygotes.

Submission:

Illumina Laboratory Services, Illumina
Classification: Likely benign for H syndrome. Last evaluated: 2018-01-12. Review status: criteria provided, single submitter. Criteria: ICSL Variant Classification Criteria 13 December 2019. Collection method: clinical testing. Allele origin: germline.
Comment: This variant was observed in the ICSL laboratory as part of a predisposition screen in an ostensibly healthy population. It had not been previously curated by ICSL or reported in the Human Gene Mutation Database (HGMD: prior to June 1st, 2018), and was therefore a candidate for classification through an automated scoring system. Utilizing variant allele frequency, disease prevalence and penetrance estimates, and inheritance mode, an automated score was calculated to assess if this variant is too frequent to cause the disease. Based on the score and internal cut-off values, a variant classified as likely benign is not then subjected to further curation. The score for this variant resulted in a classification of likely benign for this disease.

NM_018344.6(SLC29A3):c.*384C>T

Gene: SLC29A3 (solute carrier family 29 member 3; plus strand). Cytogenetic location: 10q22.1.
Variant type: single nucleotide variant.
Coding change: c.*384C>T on transcript NM_018344.6 (MANE Select); 384 bases downstream of the stop codon, C replaced by T.
Molecular consequence: 3 prime UTR variant. On other transcripts: non-coding transcript variant (2).
Genome position (GRCh38, 1-based): chr10:71,362,992, C>T. VCF-style: chr10-71362992-C-T. GRCh37 (hg19) VCF-style: chr10-73122749-C-T.
Other names: c.*1041C>T (NM_001174098.2); c.*384C>T (NM_001363518.2).
Identifiers: ClinVar variation 880071 (VCV000880071.4), dbSNP rs147274572, ClinGen allele CA5543235.